The following is an entry in ClinVar:

NM_001365276.2(TNXB):c.8252C>G (p.Ser2751Trp)

Gene: TNXB (tenascin XB; minus strand). Cytogenetic location: 6p21.33.
Variant type: single nucleotide variant.
Coding change: c.8252C>G on transcript NM_001365276.2 (MANE Select); coding-DNA position 8252, C replaced by G.
Protein change: p.Ser2751Trp; replaces serine 2751 with tryptophan.
Molecular consequence: missense variant.
Genome position (GRCh38, 1-based): chr6:32,056,066, G>C on the plus strand (C>G on the coding strand, the complement: TNXB is on the minus strand). VCF-style: chr6-32056066-G-C. GRCh37 (hg19) VCF-style: chr6-32023843-G-C.
Other names: c.8252C>G, p.Ser2751Trp (NM_019105.8); short protein forms S2751W.
Identifiers: ClinVar variation 1762632 (VCV001762632.3), dbSNP rs773291274, ClinGen allele CA136905060.

ClinVar aggregate classification (germline): Uncertain significance (1 of 4 stars; one submission).

Conditions:
Cardiovascular phenotype. Identifiers: MedGen CN230736.

gnomAD v4.1: 14 of 1,612,724 alleles (0.00087%); highest among the groups gnomAD compares: Admixed American, 0.005%; no homozygotes.

Submission:

Ambry Genetics
Classification: Uncertain significance for Cardiovascular phenotype. Last evaluated: 2025-03-25. Review status: criteria provided, single submitter. Criteria: Ambry Variant Classification Scheme 2023. Collection method: clinical testing. Allele origin: germline.
Comment: The p.S2751W variant (also known as c.8252C>G), located in coding exon 23 of the TNXB gene, results from a C to G substitution at nucleotide position 8252. The serine at codon 2751 is replaced by tryptophan, an amino acid with highly dissimilar properties. This amino acid position is well conserved in available vertebrate species. In addition, the in silico prediction for this alteration is inconclusive. Since supporting evidence is limited at this time, the clinical significance of this alteration remains unclear.